The following is an entry in ClinVar:

NM_001201543.2(FAM161A):c.1060C>T (p.Arg354Ter)

Gene: FAM161A (FAM161 centrosomal protein A; minus strand). Cytogenetic location: 2p15.
Variant type: single nucleotide variant.
Coding change: c.1060C>T on transcript NM_001201543.2 (MANE Select); coding-DNA position 1060, C replaced by T.
Protein change: p.Arg354Ter; replaces arginine 354 with a stop codon.
Molecular consequence: nonsense. On other transcripts: non-coding transcript variant (1).
Genome position (GRCh38, 1-based): chr2:61,839,944, G>A on the plus strand (C>T on the coding strand, the complement: FAM161A is on the minus strand). VCF-style: chr2-61839944-G-A. GRCh37 (hg19) VCF-style: chr2-62067079-G-A.
Other names: c.1060C>T, p.Arg354Ter (NM_032180.3); short protein forms R354*.
Identifiers: ClinVar variation 854879 (VCV000854879.13), dbSNP rs769445913, ClinGen allele CA48477539.

ClinVar aggregate classification (germline): Pathogenic/Likely pathogenic. Review status: criteria provided, multiple submitters, no conflicts (2 of 4 stars). 4 submissions from 4 submitters: Pathogenic (2); Likely pathogenic (2). Last evaluated 2025-04-14.

Conditions:
Retinitis pigmentosa 28 (RP28). Identifiers: Orphanet 791, MedGen C1419614, MONDO:0011630, OMIM 606068.
FAM161A-related disorder. Also called: FAM161A-related condition.

Allele frequency attached by ClinVar (database versions not stated): gnomAD 0.00001; TOPMed 0.00002.
gnomAD v4.1: 6 of 1,614,040 alleles (0.00037%); highest among the groups gnomAD compares: African/African-American, 0.0027%; no homozygotes.

Submissions (4):

Natera, Inc.
Classification: Pathogenic for Retinitis pigmentosa type 28. Last evaluated: 2025-04-14. Review status: criteria provided, single submitter. Criteria: Natera Variant Classification Schema (03/2026). Collection method: clinical testing. Allele origin: germline.
Comment: The c.1060C>T variant in FAM161A is a nonsense variant predicted to introduce a stop codon at amino acid 354. This variant is expected to result in nonsense mediated decay, truncation, or a dysfunctional protein product. This variant is rare in the general population with a frequency below the threshold expected for the associated phenotype(s). This variant has been observed in one or more individuals affected with the associated recessive disease, as either homozygous or compound heterozygous with a second variant (PMID: 37322672). Given the available evidence, this variant is classified as Pathogenic.

Fulgent Genetics
Classification: Likely pathogenic for Retinitis pigmentosa 28. Last evaluated: 2024-03-22. Review status: criteria provided, single submitter. Criteria: ACMG Guidelines, 2015. Collection method: clinical testing. Allele origin: germline.

Labcorp Genetics (formerly Invitae), Labcorp
Classification: Pathogenic. Last evaluated: 2024-02-08. Review status: criteria provided, single submitter. Criteria: Invitae Variant Classification Sherloc (09022015). Collection method: clinical testing. Allele origin: germline.
Comment: This sequence change creates a premature translational stop signal (p.Arg354*) in the FAM161A gene. It is expected to result in an absent or disrupted protein product. Loss-of-function variants in FAM161A are known to be pathogenic (PMID: 20705278, 20705279, 24651477). This variant is not present in population databases (gnomAD no frequency). This variant has not been reported in the literature in individuals affected with FAM161A-related conditions. ClinVar contains an entry for this variant (Variation ID: 854879). For these reasons, this variant has been classified as Pathogenic.

Blueprint Genetics
Classification: Likely pathogenic for FAM161A-related disorders. Last evaluated: 2022-03-04. Review status: criteria provided, single submitter. Criteria: ACMG Guidelines, 2015. Collection method: clinical testing. Allele origin: germline. Affected: yes. Observed: 2 variant alleles.

Literature cited by the submitters: PubMed 37322672 (cited by Natera, Inc.); PubMed 20705278 (cited by Labcorp Genetics (formerly Invitae), Labcorp); PubMed 20705279 (cited by Labcorp Genetics (formerly Invitae), Labcorp); PubMed 24651477 (cited by Labcorp Genetics (formerly Invitae), Labcorp).